The following is an entry in ClinVar:

ClinVar aggregate classification (germline): Conflicting classifications of pathogenicity. Review status: criteria provided, conflicting classifications (1 of 4 stars). 2 submissions from 2 submitters: Likely pathogenic (1); Uncertain significance (1). Last evaluated 2026-07-10.

Conditions:
Cardiomyopathy (CMYO). Also called: Cardiomyopathies. Identifiers: Orphanet 167848, MedGen C0878544, MONDO:0004994, HP:0001638. Inheritance: Various modes of inheritance.

Submissions (2):

GeneDx
Classification: Likely pathogenic. Last evaluated: 2026-07-10. Review status: criteria provided, single submitter. Criteria: GeneDx Variant Classification Process June 2021. Collection method: clinical testing. Allele origin: germline.
Comment: Has not been previously published as pathogenic or benign to our knowledge; Not observed at significant frequency in large population cohorts (gnomAD); Frameshift variant predicted to result in protein truncation or nonsense mediated decay in a gene for which loss of function is a known mechanism of disease; This variant is associated with the following publications: (PMID: 31638835)

Color Diagnostics, LLC DBA Color Health
Classification: Uncertain significance for Cardiomyopathy. Last evaluated: 2019-10-14. Review status: criteria provided, single submitter. Criteria: ACMG Guidelines, 2015. Collection method: clinical testing. Allele origin: germline.
Comment: This variant inserts 14 nucleotides in exon 6 of the DSC2 gene, creating a frameshift and premature translation stop signal. This variant is expected to result in an absent or non-functional protein product. Splice site prediction tools suggest that this variant may not impact RNA splicing. To our knowledge, functional studies have not been performed for this variant. This variant has not been reported in individuals affected with cardiovascular disorders in the literature. This variant has been identified in 1/251006 chromosomes in the general population by the Genome Aggregation Database (gnomAD). Clinical significance of loss-of-function truncations and splice variants in the DSC2 gene is not clearly established. The available evidence is insufficient to determine the role of this variant in disease conclusively. Therefore, this variant is classified as a Variant of Uncertain Significance.

NM_024422.6(DSC2):c.715_728dup (p.Phe243fs)

Gene: DSC2 (desmocollin 2; minus strand). Cytogenetic location: 18q12.1.
Variant type: Duplication.
Coding change: c.715_728dup on transcript NM_024422.6 (MANE Select); coding-DNA positions 715 to 728, 14 bases duplicated (AACTACCCAATTTT).
Protein change: p.Phe243fs; shifts the reading frame from phenylalanine 243.
Molecular consequence: frameshift variant.
Genome position (GRCh38, 1-based): chr18:31,087,716-31,087,729, AAAATTGGGTAGTT duplicated on the plus strand (AACTACCCAATTTT on the coding strand, the reverse complement: DSC2 is on the minus strand); duplicating any 14 consecutive bases within chr18:31,087,716-31,087,730 gives the same sequence; the c. name uses the placement nearest the transcript's 3' end. VCF-style (leftmost placement, unchanged base first): chr18-31087715-A-AAAAATTGGGTAGTT. GRCh37 (hg19) VCF-style: chr18-28667678-A-AAAAATTGGGTAGTT.
Other names: c.715_728dup, p.Phe243fs (NM_004949.5); short protein forms F243fs.
Identifiers: ClinVar variation 928429 (VCV000928429.5), dbSNP rs759922677, ClinGen allele CA8924796.